The following is an entry in ClinVar:

ClinVar aggregate classification (germline): Likely benign. Review status: criteria provided, multiple submitters, no conflicts (2 of 4 stars). 3 submissions from 3 submitters: Likely benign (2). 1 of the submissions does not count toward it. Last evaluated 2025-11-26.

Conditions:
STIM1-related disorder. Also called: STIM1-related condition.
Stormorken syndrome (STRMK). Also called: THROMBOCYTOPATHY, ASPLENIA, AND MIOSIS. Identifiers: Orphanet 3204, MedGen C1861451, MONDO:0008497, OMIM 185070.
Combined immunodeficiency due to STIM1 deficiency. Also called: IMMUNODEFICIENCY 10; STIM1 DEFICIENCY. Identifiers: Orphanet 169090, Orphanet 317430, MedGen C2748557, MONDO:0013008, OMIM 612783.
Myopathy with tubular aggregates (TAM). Also called: Tubular Aggregate Myopathy. Identifiers: Orphanet 2593, MedGen C0410207, MONDO:0008051.

Allele frequency attached by ClinVar (database versions not stated): TOPMed 0.00001; ExAC 0.00002; gnomAD 0.00002; gnomAD exomes 0.00002; 1000 Genomes Project 30x 0.00016; 1000 Genomes Project 0.00020.
gnomAD v4.1: 10 of 1,614,100 alleles (0.00062%); highest among the groups gnomAD compares: African/African-American, 0.0053%; no homozygotes.

Submissions (3):

Labcorp Genetics (formerly Invitae), Labcorp
Classification: Likely benign for Myopathy with tubular aggregates; Combined immunodeficiency due to STIM1 deficiency; Stormorken syndrome. Last evaluated: 2025-11-26. Review status: criteria provided, single submitter. Criteria: Invitae Variant Classification Sherloc (09022015). Collection method: clinical testing. Allele origin: germline.

Blueprint Genetics
Classification: Likely benign. Last evaluated: 2022-10-13. Review status: criteria provided, single submitter. Criteria: ACMG Guidelines, 2015. Collection method: clinical testing. Allele origin: germline.

PreventionGenetics, part of Exact Sciences
Classification: Likely benign for STIM1-related condition. Last evaluated: 2022-04-15. Review status: no assertion criteria provided. Collection method: clinical testing. Allele origin: germline. Not counted in ClinVar's aggregate classification.
Comment: This variant is classified as likely benign based on ACMG/AMP sequence variant interpretation guidelines (Richards et al. 2015 PMID: 25741868, with internal and published modifications).

NM_001382567.1(STIM1):c.738G>A (p.Lys246=)

Gene: STIM1 (stromal interaction molecule 1; plus strand). Cytogenetic location: 11p15.4.
Variant type: single nucleotide variant.
Coding change: c.738G>A on transcript NM_001382567.1 (MANE Select); coding-DNA position 738, G replaced by A.
Protein change: p.Lys246=; no amino-acid change (lysine 246 retained).
Molecular consequence: synonymous variant. On other transcripts: non-coding transcript variant (2).
Genome position (GRCh38, 1-based): chr11:4,070,150, G>A. VCF-style: chr11-4070150-G-A. GRCh37 (hg19) VCF-style: chr11-4091380-G-A.
Other names: c.738G>A, p.Lys246= (NM_001277961.3, NM_001277962.2, NM_001382568.1 and 2 more transcripts); c.516G>A, p.Lys172= (NM_001382566.1, NM_001382573.1, NM_001382574.1 and 5 more transcripts); c.603G>A, p.Lys201= (NM_001382569.1); c.510G>A, p.Lys170= (NM_001382570.1); c.258G>A, p.Lys86= (NM_001382571.1); c.249G>A, p.Lys83= (NM_001382580.1, NM_001382581.1); c.738G>A (NM_003156.3).
Identifiers: ClinVar variation 1082202 (VCV001082202.12), dbSNP rs536528954, ClinGen allele CA5830303.
Genomic context (GRCh38, chr11:4,070,150, plus strand): 5'-CTGCTGGTTTGCCTATATCCAGAACCGTTACTCCAAGGAGCACATGAAGAAGATGATGAA[G>A]GACTTGGAGGGGTTACACCGAGCTGAGCAGAGTCTGCATGACCTTCAGGAAAGGTAAGGC-3'
Protein context (NP_001369496.1, residues 236-256): YSKEHMKKMM[Lys246=]DLEGLHRAEQ